The following is an entry in ClinVar:

ClinVar aggregate classification (germline): Uncertain significance. Review status: criteria provided, multiple submitters, no conflicts (2 of 4 stars). 3 submissions from 3 submitters: Uncertain significance (3). Last evaluated 2024-08-19.

Conditions:
Tuberous sclerosis syndrome (TSC). Also called: Tuberous Sclerosis Complex; Tuberous sclerosis. Identifiers: Orphanet 805, MedGen C0041341, MONDO:0001734.
Tuberous sclerosis 2 (TSC2). Identifiers: Orphanet 805, MedGen C1860707, MONDO:0013199, OMIM 613254.
Hereditary cancer-predisposing syndrome. Also called: Neoplastic Syndromes, Hereditary; Hereditary neoplastic syndrome; Tumor predisposition; Hereditary Cancer Syndrome. Identifiers: Orphanet 140162, MedGen C0027672, MeSH D009386, MONDO:0015356.

Submissions (3):

Ambry Genetics
Classification: Uncertain significance for Hereditary cancer-predisposing syndrome. Last evaluated: 2024-08-19. Review status: criteria provided, single submitter. Criteria: Ambry Variant Classification Scheme 2023. Collection method: clinical testing. Allele origin: germline.
Comment: The p.P744A variant (also known as c.2230C>G), located in coding exon 20 of the TSC2 gene, results from a C to G substitution at nucleotide position 2230. The proline at codon 744 is replaced by alanine, an amino acid with highly similar properties. This amino acid position is conserved. In addition, the in silico prediction for this alteration is inconclusive. Based on the available evidence, the clinical significance of this variant remains unclear.

All of Us Research Program, National Institutes of Health
Classification: Uncertain significance for Tuberous sclerosis syndrome. Last evaluated: 2024-02-22. Review status: criteria provided, single submitter. Criteria: ACMG Guidelines, 2015. Collection method: clinical testing. Allele origin: germline. Inheritance: Autosomal dominant inheritance. Observed: 1 variant allele, 1 heterozygote.
Comment: This missense variant replaces proline with alanine at codon 744 of the TSC2 protein. Computational prediction suggests that this variant may not impact protein structure and function (internally defined REVEL score threshold <= 0.5, PMID: 27666373). To our knowledge, functional studies have not been reported for this variant. This variant has not been reported in individuals affected with TSC2-related disorders in the literature. This variant has not been identified in the general population by the Genome Aggregation Database (gnomAD). The available evidence is insufficient to determine the role of this variant in disease conclusively. Therefore, this variant is classified as a Variant of Uncertain Significance.

This study involves interpretation of variants in research participants for the purpose of population health screening. Participant phenotype was not available at the time of variant classification. Additional details can be found in publication PMID: 35346344, PMCID: PMC8962531

Labcorp Genetics (formerly Invitae), Labcorp
Classification: Uncertain significance for Tuberous sclerosis 2. Last evaluated: 2022-05-26. Review status: criteria provided, single submitter. Criteria: Invitae Variant Classification Sherloc (09022015). Collection method: clinical testing. Allele origin: germline.
Comment: In summary, the available evidence is currently insufficient to determine the role of this variant in disease. Therefore, it has been classified as a Variant of Uncertain Significance. Advanced modeling of protein sequence and biophysical properties (such as structural, functional, and spatial information, amino acid conservation, physicochemical variation, residue mobility, and thermodynamic stability) performed at Invitae indicates that this missense variant is not expected to disrupt TSC2 protein function. ClinVar contains an entry for this variant (Variation ID: 664186). This variant has not been reported in the literature in individuals affected with TSC2-related conditions. This variant is not present in population databases (gnomAD no frequency). This sequence change replaces proline, which is neutral and non-polar, with alanine, which is neutral and non-polar, at codon 744 of the TSC2 protein (p.Pro744Ala).

NM_000548.5(TSC2):c.2230C>G (p.Pro744Ala)

Gene: TSC2 (TSC complex subunit 2; plus strand). Cytogenetic location: 16p13.3.
Variant type: single nucleotide variant.
Coding change: c.2230C>G on transcript NM_000548.5 (MANE Select); coding-DNA position 2230, C replaced by G.
Protein change: p.Pro744Ala; replaces proline 744 with alanine.
Molecular consequence: missense variant.
Genome position (GRCh38, 1-based): chr16:2,072,858, C>G. VCF-style: chr16-2072858-C-G. GRCh37 (hg19) VCF-style: chr16-2122859-C-G.
Other names: c.2230C>G, p.Pro744Ala (NM_001077183.3, NM_001114382.3, NM_001363528.2 and 3 more transcripts); c.2119C>G, p.Pro707Ala (NM_001318827.2); c.2083C>G, p.Pro695Ala (NM_001318829.2); c.1630C>G, p.Pro544Ala (NM_001318831.2); c.2263C>G, p.Pro755Ala (NM_001318832.2); short protein forms P695A, P744A, P755A, P544A, P707A.
Identifiers: ClinVar variation 664186 (VCV000664186.10), dbSNP rs1596350020, ClinGen allele CA394276212.
Genomic context (GRCh38, chr16:2,072,858, plus strand): 5'-CCCGTGACCTGGCCGCTGGGGAGAGGTTTCATGCCTGGATTTGGTCATCAGCTTTCAGGC[C>G]CAAAGACACTGGAGCGGCTCCGAGGCGCCCCAGAAGGCTTCTCCAGAACTGACTTGCACC-3'
Protein context (NP_000539.2, residues 734-754): CSALCSMLSG[Pro744Ala]KTLERLRGAP